The following is an entry in ClinVar:

ClinVar aggregate classification (germline): Pathogenic (1 of 4 stars; one submission).

Conditions:
CHARGE syndrome (CHARGE). Also called: Hittner Hirsch Kreh syndrome; CHARGE ASSOCIATION--COLOBOMA, HEART ANOMALY, CHOANAL ATRESIA, RETARDATION, GENITAL AND EAR ANOMALIES; Coloboma, heart anomaly, choanal atresia, retardation, genital and ear anomalies; CHARGE association; Hall-Hittner syndrome. Identifiers: Orphanet 138, MedGen C0265354, MONDO:0008965.

Submission:

Labcorp Genetics (formerly Invitae), Labcorp
Classification: Pathogenic for CHARGE syndrome. Last evaluated: 2017-01-31. Review status: criteria provided, single submitter. Criteria: Invitae Variant Classification Sherloc (09022015). Collection method: clinical testing. Allele origin: germline.
Comment: While this particular variant has not been reported in the literature, loss-of-function variants in CHD7 are known to be pathogenic (PMID: 16400610, 22461308). For these reasons, this variant has been classified as Pathogenic. This sequence change inserts 2 nucleotides in exon 32 of the CHD7 mRNA (c.6841_6842insTA), causing a frameshift at codon 2281. This creates a premature translational stop signal (p.Asp2281Valfs*17) and is expected to result in an absent or disrupted protein product.

Literature cited by the submitters: PubMed 16400610; PubMed 22461308.

NM_017780.4(CHD7):c.6841_6842insTA (p.Asp2281fs)

Gene: CHD7 (chromodomain helicase DNA binding protein 7; plus strand). Cytogenetic location: 8q12.2.
Variant type: Insertion.
Coding change: c.6841_6842insTA on transcript NM_017780.4 (MANE Select); coding-DNA positions 6841 to 6842, TA inserted.
Protein change: p.Asp2281fs; shifts the reading frame from aspartic acid 2281.
Molecular consequence: frameshift variant. On other transcripts: intron variant (1).
Genome position: GRCh38 VCF-style: chr8-60854428-G-GTA. GRCh37 (hg19) VCF-style: chr8-61766987-G-GTA.
Other names: c.1717-7801_1717-7800insTA (NM_001316690.1); short protein forms D2281fs.
Identifiers: ClinVar variation 459561 (VCV000459561.6), dbSNP rs1554604441, ClinGen allele CA658657774.